The following is an entry in ClinVar:

NM_000130.5(F5):c.5645G>A (p.Trp1882Ter)

Gene: F5 (coagulation factor V; minus strand). Cytogenetic location: 1q24.2.
Variant type: single nucleotide variant.
Coding change: c.5645G>A on transcript NM_000130.5 (MANE Select); coding-DNA position 5645, G replaced by A.
Protein change: p.Trp1882Ter; replaces tryptophan 1882 with a stop codon.
Molecular consequence: nonsense.
Genome position (GRCh38, 1-based): chr1:169,525,972, C>T on the plus strand (G>A on the coding strand, the complement: F5 is on the minus strand). VCF-style: chr1-169525972-C-T. GRCh37 (hg19) VCF-style: chr1-169495210-C-T.
Other names: short protein forms W1882*.
Identifiers: ClinVar variation 2956469 (VCV002956469.3), dbSNP rs2526354513, ClinGen allele CA343125043.

ClinVar aggregate classification (germline): Pathogenic (1 of 4 stars; one submission).

Conditions:
Congenital factor V deficiency. Also called: LABILE FACTOR DEFICIENCY; OWREN PARAHEMOPHILIA; PARAHEMOPHILIA; Hereditary factor V deficiency disease. Identifiers: Orphanet 326, MedGen C0015499, MONDO:0009210, OMIM 227400.

Allele frequency attached by ClinVar (database versions not stated): gnomAD exomes below 0.00001.
gnomAD v4.1: 2 of 1,613,280 alleles (0.00012%); highest among the groups gnomAD compares: Non-Finnish European, 0.000085%; no homozygotes.

Submission:

Labcorp Genetics (formerly Invitae), Labcorp
Classification: Pathogenic for Congenital factor V deficiency. Last evaluated: 2023-08-07. Review status: criteria provided, single submitter. Criteria: Invitae Variant Classification Sherloc (09022015). Collection method: clinical testing. Allele origin: germline.
Comment: This sequence change creates a premature translational stop signal (p.Trp1882*) in the F5 gene. It is expected to result in an absent or disrupted protein product. Loss-of-function variants in F5 are known to be pathogenic (PMID: 30924984). This variant is not present in population databases (gnomAD no frequency). This variant has not been reported in the literature in individuals affected with F5-related conditions. For these reasons, this variant has been classified as Pathogenic.

Literature cited by the submitters: PubMed 30924984.